The following is an entry in ClinVar:

NM_001378454.1(ALMS1):c.7739A>G (p.Glu2580Gly)

Gene: ALMS1 (ALMS1 centrosome and basal body associated protein; plus strand). Cytogenetic location: 2p13.1.
Variant type: single nucleotide variant.
Coding change: c.7739A>G on transcript NM_001378454.1 (MANE Select); coding-DNA position 7739, A replaced by G.
Protein change: p.Glu2580Gly; replaces glutamic acid 2580 with glycine.
Molecular consequence: missense variant.
Genome position (GRCh38, 1-based): chr2:73,489,698, A>G. VCF-style: chr2-73489698-A-G. GRCh37 (hg19) VCF-style: chr2-73716825-A-G.
Other names: c.7742A>G, p.Glu2581Gly (NM_015120.4); short protein forms E2581G, E2580G.
Identifiers: ClinVar variation 1445383 (VCV001445383.6), dbSNP rs2103889306, ClinGen allele CA347263965.
Genomic context (GRCh38, chr2:73,489,698, plus strand): 5'-TACAGAGTCCACGGGGAATGGGATGCAAGCCAGAAGCTGTATGTAGTCACATTATTATTG[A>G]GAGCCATGAAAAGGGATGTTTCCGGACTCTAACTTCTGAACATCCACAACTAGATAGACA-3'
Protein context (NP_001365383.1, residues 2570-2590): PEAVCSHIII[Glu2580Gly]SHEKGCFRTL

ClinVar aggregate classification (germline): Uncertain significance (1 of 4 stars; one submission).

Conditions:
Alstrom syndrome (ALMS). Identifiers: Orphanet 64, MedGen C0268425, MONDO:0008763, OMIM 203800.

Allele frequency attached by ClinVar (database versions not stated): gnomAD exomes below 0.00001.
gnomAD v4.1: 1 of 1,614,100 alleles (0.000062%); highest among the groups gnomAD compares: Non-Finnish European, 0.000085%; no homozygotes.

Submission:

Labcorp Genetics (formerly Invitae), Labcorp
Classification: Uncertain significance for Alstrom syndrome. Last evaluated: 2023-07-03. Review status: criteria provided, single submitter. Criteria: Invitae Variant Classification Sherloc (09022015). Collection method: clinical testing. Allele origin: germline.
Comment: This sequence change replaces glutamic acid, which is acidic and polar, with glycine, which is neutral and non-polar, at codon 2581 of the ALMS1 protein (p.Glu2581Gly). This variant is not present in population databases (gnomAD no frequency). This variant has not been reported in the literature in individuals affected with ALMS1-related conditions. ClinVar contains an entry for this variant (Variation ID: 1445383). Experimental studies and prediction algorithms are not available or were not evaluated, and the functional significance of this variant is currently unknown. In summary, the available evidence is currently insufficient to determine the role of this variant in disease. Therefore, it has been classified as a Variant of Uncertain Significance.